The following is an entry in ClinVar:

NM_005159.5(ACTC1):c.432G>T (p.Leu144=)

Genes: GJD2-DT (GJD2 divergent transcript; plus strand), ACTC1 (actin alpha cardiac muscle 1; minus strand). Cytogenetic location: 15q14.
Variant type: single nucleotide variant.
Coding change: c.432G>T on transcript NM_005159.5 (MANE Select); coding-DNA position 432, G replaced by T.
Protein change: p.Leu144=; no amino-acid change (leucine 144 retained).
Molecular consequence: synonymous variant.
Genome position (GRCh38, 1-based): chr15:34,793,267, C>A on the plus strand (G>T on the coding strand, the complement: ACTC1 is on the minus strand). VCF-style: chr15-34793267-C-A. GRCh37 (hg19) VCF-style: chr15-35085468-C-A.
Identifiers: ClinVar variation 751158 (VCV000751158.15), dbSNP rs1595761302, ClinGen allele CA489655641.
Genomic context (GRCh38, chr15:34,793,267, plus strand): 5'-TGTGATTCATCAGTAACTGTCCCCAGAGCCCAGCATACCTGTGGTACGGCCAGAAGCATA[C>A]AGGGATAGCACTGCCTGGATGGCCACGTACATGGCAGGGACATTGAAGGTCTCAAACATG-3'
Protein context (NP_005150.1, residues 134-154): MYVAIQAVLS[Leu144=]YASGRTTGIV

ClinVar aggregate classification (germline): Conflicting classifications of pathogenicity. Review status: criteria provided, conflicting classifications (1 of 4 stars). 5 submissions from 5 submitters: Uncertain significance (1); Likely benign (3). 1 of the submissions does not count toward it. Last evaluated 2025-06-11.

Conditions:
Hypertrophic cardiomyopathy. Also called: HYPERTROPHIC MYOCARDIOPATHY. Identifiers: Orphanet 217569, MedGen C0007194, MeSH D002312, MONDO:0005045, HP:0001639.
ACTC1-related disorder. Also called: ACTC1-related condition.
Cardiovascular phenotype. Identifiers: MedGen CN230736.
Cardiomyopathy (CMYO). Also called: Cardiomyopathies. Identifiers: Orphanet 167848, MedGen C0878544, MONDO:0004994, HP:0001638. Inheritance: Various modes of inheritance.
Dilated cardiomyopathy 1R (CMD1R). Identifiers: Orphanet 154, Orphanet 54260, MedGen C3150681, MONDO:0013261, OMIM 613424.
Atrial septal defect 5 (ASD5). Identifiers: Orphanet 1478, MedGen C2748552, MONDO:0013011, OMIM 612794.
Hypertrophic cardiomyopathy 11. Also called: ACTC1-Related Familial Hypertrophic Cardiomyopathy. Identifiers: MedGen C2677506, MONDO:0012799, OMIM 612098.

Allele frequency attached by ClinVar (database versions not stated): gnomAD 0.00001; TOPMed 0.00002.

Submissions (5):

Labcorp Genetics (formerly Invitae), Labcorp
Classification: Likely benign for Dilated cardiomyopathy 1R; Hypertrophic cardiomyopathy 11; Atrial septal defect 5. Last evaluated: 2025-06-11. Review status: criteria provided, single submitter. Criteria: Invitae Variant Classification Sherloc (09022015). Collection method: clinical testing. Allele origin: germline.

Ambry Genetics
Classification: Uncertain significance for Cardiovascular phenotype. Last evaluated: 2024-12-16. Review status: criteria provided, single submitter. Criteria: Ambry Variant Classification Scheme 2023. Collection method: clinical testing. Allele origin: germline.
Comment: The c.432G>T variant (also known as p.L144L), located in coding exon 2 of the ACTC1 gene, results from a G to T substitution at nucleotide position 432. This nucleotide substitution does not change the amino acid at codon 144. This nucleotide position is not well conserved in available vertebrate species. In silico splice site analysis for this alteration is inconclusive. Based on the available evidence, the clinical significance of this variant remains unclear.

All of Us Research Program, National Institutes of Health
Classification: Likely benign for Hypertrophic cardiomyopathy. Last evaluated: 2024-05-14. Review status: criteria provided, single submitter. Criteria: ACMG Guidelines, 2015. Collection method: clinical testing. Allele origin: germline. Inheritance: Autosomal dominant inheritance. Observed: 1 variant allele, 1 heterozygote.
Comment: This study involves interpretation of variants in research participants for the purpose of population health screening. Participant phenotype was not available at the time of variant classification. Additional details can be found in publication PMID: 35346344, PMCID: PMC8962531

Color Diagnostics, LLC DBA Color Health
Classification: Likely benign for Cardiomyopathy. Last evaluated: 2022-05-20. Review status: criteria provided, single submitter. Criteria: ACMG Guidelines, 2015. Collection method: clinical testing. Allele origin: germline.

PreventionGenetics, part of Exact Sciences
Classification: Likely benign for ACTC1-related condition. Last evaluated: 2023-02-18. Review status: no assertion criteria provided. Collection method: clinical testing. Allele origin: germline. Not counted in ClinVar's aggregate classification.
Comment: This variant is classified as likely benign based on ACMG/AMP sequence variant interpretation guidelines (Richards et al. 2015 PMID: 25741868, with internal and published modifications).